The following is an entry in ClinVar:

ClinVar aggregate classification (germline): Uncertain significance (1 of 4 stars; one submission).

gnomAD v4.1: 4 of 1,535,624 alleles (0.00026%); highest among the groups gnomAD compares: Non-Finnish European, 0.00026%; no homozygotes.

Submission:

Dasa
Classification: Uncertain significance. Last evaluated: 2024-11-18. Review status: criteria provided, single submitter. Criteria: DASA Assertion Criteria. Collection method: clinical testing. Allele origin: germline.
Comment: NM_001378405.1(NFIX):c.71T>C (p.Val24Ala) is a missense variant that results in the substitution of valine with alanine. This variant is rare in population databases. The currently available literature and clinical evidence are not sufficient to establish a definitive association between this variant and the reported condition. Therefore, this variant is classified as a variant of uncertain significance.

NM_001365902.3(NFIX):c.28-306T>C

Gene: NFIX (nuclear factor I X; plus strand). Cytogenetic location: 19p13.13.
Variant type: single nucleotide variant.
Coding change: c.28-306T>C on transcript NM_001365902.3 (MANE Select); 306 bases into the intron before coding-DNA position 28, T replaced by C.
Molecular consequence: intron variant. On other transcripts: missense variant (1).
Genome position (GRCh38, 1-based): chr19:13,024,715, T>C. VCF-style: chr19-13024715-T-C. GRCh37 (hg19) VCF-style: chr19-13135529-T-C.
Other names: c.71T>C, p.Val24Ala (NM_001378405.1); c.28-306T>C (NM_002501.4, NM_001365982.2); c.4-306T>C (NM_001378404.1, NM_001271044.3, NM_001440616.1 and 1 more transcripts); c.-115+33T>C (NM_001365983.2); c.51+31T>C (NM_001271043.2); short protein forms V24A.
Identifiers: ClinVar variation 4883631 (VCV004883631.2).